The following is an entry in ClinVar:

ClinVar aggregate classification (germline): Likely benign (1 of 4 stars; one submission).

Allele frequency attached by ClinVar (database versions not stated): gnomAD 0.00007; gnomAD exomes 0.00011; TOPMed 0.00012; ESP Exome Variant Server 0.00015; 1000 Genomes Project 0.00020; ExAC 0.00023; 1000 Genomes Project 30x 0.00031.
gnomAD v4.1: 166 of 1,554,880 alleles (0.011%); highest among the groups gnomAD compares: East Asian, 0.059%; no homozygotes.

Submission:

CeGaT Center for Human Genetics Tuebingen
Classification: Likely benign. Last evaluated: 2023-02-01. Review status: criteria provided, single submitter. Criteria: CeGaT Center For Human Genetics Tuebingen Variant Classification Criteria Version 2. Collection method: clinical testing. Allele origin: germline. Affected: yes. Observed: 1 variant allele.
Comment: ZP2: BP4, BP7

NM_001376232.1(ZP2):c.1140C>T (p.Val380=)

Gene: ZP2 (zona pellucida glycoprotein 2; minus strand). Cytogenetic location: 16p12.2.
Variant type: single nucleotide variant.
Coding change: c.1140C>T on transcript NM_001376232.1 (MANE Select); coding-DNA position 1140, C replaced by T.
Protein change: p.Val380=; no amino-acid change (valine 380 retained).
Molecular consequence: synonymous variant. On other transcripts: non-coding transcript variant (1).
Genome position (GRCh38, 1-based): chr16:21,202,251, G>A on the plus strand (C>T on the coding strand, the complement: ZP2 is on the minus strand). VCF-style: chr16-21202251-G-A. GRCh37 (hg19) VCF-style: chr16-21213572-G-A.
Other names: c.1140C>T, p.Val380= (NM_001376231.1, NM_001376233.1, NM_003460.2).
Identifiers: ClinVar variation 2498654 (VCV002498654.28), dbSNP rs148788115, ClinGen allele CA7949819.